The following is an entry in ClinVar:

NM_000388.4(CASR):c.442G>A (p.Gly148Ser)

Gene: CASR (calcium sensing receptor; plus strand). Cytogenetic location: 3q21.1.
Variant type: single nucleotide variant.
Coding change: c.442G>A on transcript NM_000388.4 (MANE Select); coding-DNA position 442, G replaced by A.
Protein change: p.Gly148Ser; replaces glycine 148 with serine.
Molecular consequence: missense variant.
Genome position (GRCh38, 1-based): chr3:122,257,337, G>A. VCF-style: chr3-122257337-G-A. GRCh37 (hg19) VCF-style: chr3-121976184-G-A.
Other names: c.442G>A, p.Gly148Ser (NM_001178065.2); short protein forms G148S.
Identifiers: ClinVar variation 2200388 (VCV002200388.6), dbSNP rs2473215180, ClinGen allele CA354362904.

ClinVar aggregate classification (germline): Uncertain significance. Review status: criteria provided, multiple submitters, no conflicts (2 of 4 stars). 3 submissions from 3 submitters: Uncertain significance (3). Last evaluated 2024-09-25.

Conditions:
Autosomal dominant hypocalcemia 1 (HYPOC1). Also called: HYPOCALCEMIA, FAMILIAL. Identifiers: MedGen C3715128, MONDO:0011013, OMIM 601198.
Familial hypocalciuric hypercalcemia (FHH). Also called: Familial benign hypercalcemia. Identifiers: Orphanet 405, MedGen C1809471, MONDO:0018458.

Submissions (3):

Women's Health and Genetics/Laboratory Corporation of America, LabCorp
Classification: Uncertain significance. Last evaluated: 2024-09-25. Review status: criteria provided, single submitter. Criteria: LabCorp Variant Classification Summary - May 2015. Collection method: clinical testing. Allele origin: germline.
Comment: Variant summary: CASR c.442G>A (p.Gly148Ser) results in a non-conservative amino acid change located in the receptor, ligand binding region domain (IPR001828) of the encoded protein sequence. Three of five in-silico tools predict a damaging effect of the variant on protein function. The variant was absent in 251256 control chromosomes. The available data on variant occurrences in the general population are insufficient to allow any conclusion about variant significance. To our knowledge, no occurrence of c.442G>A in individuals affected with Autosomal Dominant Hypocalcemia and no experimental evidence demonstrating its impact on protein function have been reported. ClinVar contains an entry for this variant (Variation ID: 2200388). Based on the evidence outlined above, the variant was classified as uncertain significance.

Greenwood Genetic Center Diagnostic Laboratories, Greenwood Genetic Center
Classification: Uncertain significance. Last evaluated: 2023-10-04. Review status: criteria provided, single submitter. Criteria: ACMG Guidelines, 2015. Collection method: clinical testing. Allele origin: germline. Affected: yes.
Comment: PM1_Supporting, PM2

Labcorp Genetics (formerly Invitae), Labcorp
Classification: Uncertain significance for Familial hypocalciuric hypercalcemia; Autosomal dominant hypocalcemia 1. Last evaluated: 2022-06-08. Review status: criteria provided, single submitter. Criteria: Invitae Variant Classification Sherloc (09022015). Collection method: clinical testing. Allele origin: germline.
Comment: In summary, the available evidence is currently insufficient to determine the role of this variant in disease. Therefore, it has been classified as a Variant of Uncertain Significance. Algorithms developed to predict the effect of missense changes on protein structure and function are either unavailable or do not agree on the potential impact of this missense change (SIFT: "Deleterious"; PolyPhen-2: "Possibly Damaging"; Align-GVGD: "Class C0"). This variant has not been reported in the literature in individuals affected with CASR-related conditions. This variant is not present in population databases (gnomAD no frequency). This sequence change replaces glycine, which is neutral and non-polar, with serine, which is neutral and polar, at codon 148 of the CASR protein (p.Gly148Ser).